The following is an entry in ClinVar:

NM_005609.4(PYGM):c.1441C>T (p.Gln481Ter)

Gene: PYGM (glycogen phosphorylase, muscle associated; minus strand). Cytogenetic location: 11q13.1.
Variant type: single nucleotide variant.
Coding change: c.1441C>T on transcript NM_005609.4 (MANE Select); coding-DNA position 1441, C replaced by T.
Protein change: p.Gln481Ter; replaces glutamine 481 with a stop codon.
Molecular consequence: nonsense.
Genome position (GRCh38, 1-based): chr11:64,753,150, G>A on the plus strand (C>T on the coding strand, the complement: PYGM is on the minus strand). VCF-style: chr11-64753150-G-A. GRCh37 (hg19) VCF-style: chr11-64520622-G-A.
Other names: c.1177C>T, p.Gln393Ter (NM_001164716.1); short protein forms Q393*, Q481*.
Identifiers: ClinVar variation 5013240 (VCV005013240.1).

ClinVar aggregate classification (germline): Pathogenic (1 of 4 stars; one submission).

Conditions:
Glycogen storage disease, type V (GSD5). Also called: MCARDLE DISEASE; MUSCLE GLYCOGEN PHOSPHORYLASE DEFICIENCY; MYOPHOSPHORYLASE DEFICIENCY; PYGM DEFICIENCY; McArdle type glycogen storage disease. Identifiers: Orphanet 368, MedGen C0017924, MONDO:0009293, OMIM 232600.

Submission:

Myriad Genetics, Inc.
Classification: Pathogenic for Glycogen storage disease, type V. Last evaluated: 2026-01-19. Review status: criteria provided, single submitter. Criteria: Myriad Autosomal Dominant, Autosomal Recessive and X-Linked Classification Criteria (2023). Collection method: clinical testing. Allele origin: unknown.
Comment: NM_005609.2(PYGM):c.1441C>T(Q481*) is expected to be pathogenic in the context of glycogen storage disease, PYGM-related. This variant is predicted to lead to an abnormal or absent protein product due to the creation of a premature termination codon in PYGM, a gene where loss-of-function variants are known to be pathogenic. Please note: this variant was assessed in the context of healthy population screening.